The following is an entry in ClinVar:

ClinVar aggregate classification (germline): Uncertain significance (0 of 4 stars; one submission).

Conditions:
PLXNA4-related disorder. Also called: PLXNA4-related condition.

Allele frequency attached by ClinVar (database versions not stated): gnomAD exomes 0.00001; ExAC 0.00002; TOPMed 0.00002; gnomAD 0.00003; ESP Exome Variant Server 0.00008.
gnomAD v4.1: 23 of 1,613,916 alleles (0.0014%); highest among the groups gnomAD compares: South Asian, 0.0044%; no homozygotes.

Submission:

PreventionGenetics, part of Exact Sciences
Classification: Uncertain significance for PLXNA4-related condition. Last evaluated: 2023-11-27. Review status: no assertion criteria provided. Collection method: clinical testing. Allele origin: germline.
Comment: The PLXNA4 c.4540G>A variant is predicted to result in the amino acid substitution p.Glu1514Lys. To our knowledge, this variant has not been reported in the literature. This variant is reported in 0.0063% of alleles in individuals of African descent in gnomAD. At this time, the clinical significance of this variant is uncertain due to the absence of conclusive functional and genetic evidence.

NM_020911.2(PLXNA4):c.4540G>A (p.Glu1514Lys)

Gene: PLXNA4 (plexin A4; minus strand). Cytogenetic location: 7q32.3.
Variant type: single nucleotide variant.
Coding change: c.4540G>A on transcript NM_020911.2 (MANE Select); coding-DNA position 4540, G replaced by A.
Protein change: p.Glu1514Lys; replaces glutamic acid 1514 with lysine.
Molecular consequence: missense variant.
Genome position (GRCh38, 1-based): chr7:132,159,593, C>T on the plus strand (G>A on the coding strand, the complement: PLXNA4 is on the minus strand). VCF-style: chr7-132159593-C-T. GRCh37 (hg19) VCF-style: chr7-131844352-C-T.
Other names: c.4540G>A, p.Glu1514Lys (NM_001393897.1); short protein forms E1514K.
Identifiers: ClinVar variation 2634729 (VCV002634729.3), dbSNP rs372771390, ClinGen allele CA4489152.